The following is an entry in ClinVar:

ClinVar aggregate classification (germline): Likely benign. Review status: criteria provided, multiple submitters, no conflicts (2 of 4 stars). 5 submissions from 5 submitters: Likely benign (5). Last evaluated 2025-10-30.

Conditions:
Dilated cardiomyopathy 1G (CMD1G). Identifiers: Orphanet 154, MedGen C1858763, MONDO:0011400, OMIM 604145.
Autosomal recessive limb-girdle muscular dystrophy type 2J (LGMDR10). Also called: MUSCULAR DYSTROPHY, LIMB-GIRDLE, AUTOSOMAL RECESSIVE 10; Limb-girdle muscular dystrophy, type 2J. Identifiers: Orphanet 140922, MedGen C1837342, MONDO:0012127, OMIM 608807.
Cardiovascular phenotype. Identifiers: MedGen CN230736.

Allele frequency attached by ClinVar (database versions not stated): gnomAD exomes below 0.00001; gnomAD 0.00001; TOPMed 0.00003.
gnomAD v4.1: 5 of 1,613,448 alleles (0.00031%); highest among the groups gnomAD compares: Admixed American, 0.005%; 1 homozygote.

Submissions (5):

Labcorp Genetics (formerly Invitae), Labcorp
Classification: Likely benign for Dilated cardiomyopathy 1G; Autosomal recessive limb-girdle muscular dystrophy type 2J. Last evaluated: 2025-10-30. Review status: criteria provided, single submitter. Criteria: Invitae Variant Classification Sherloc (09022015). Collection method: clinical testing. Allele origin: germline.

CeGaT Center for Human Genetics Tuebingen
Classification: Likely benign. Last evaluated: 2025-09-01. Review status: criteria provided, single submitter. Criteria: CeGaT Center For Human Genetics Tuebingen Variant Classification Criteria Version 2. Collection method: clinical testing. Allele origin: germline. Affected: yes. Observed: 1 variant allele.
Comment: TTN: BP4, BP7

Women's Health and Genetics/Laboratory Corporation of America, LabCorp
Classification: Likely benign. Last evaluated: 2024-10-15. Review status: criteria provided, single submitter. Criteria: LabCorp Variant Classification Summary - May 2015. Collection method: clinical testing. Allele origin: germline.

Ambry Genetics
Classification: Likely benign for Cardiovascular phenotype. Last evaluated: 2021-08-17. Review status: criteria provided, single submitter. Criteria: Ambry Variant Classification Scheme 2023. Collection method: clinical testing. Allele origin: germline.

GeneDx
Classification: Likely benign. Last evaluated: 2020-08-10. Review status: criteria provided, single submitter. Criteria: GeneDx Variant Classification Process June 2021. Collection method: clinical testing. Allele origin: germline. Affected: yes.

NM_001267550.2(TTN):c.70785A>G (p.Leu23595=)

Genes: TTN-AS1 (TTN antisense RNA 1; plus strand), TTN (titin; minus strand). Cytogenetic location: 2q31.2.
Variant type: single nucleotide variant.
Coding change: c.70785A>G on transcript NM_001267550.2 (MANE Select); coding-DNA position 70785, A replaced by G.
Protein change: p.Leu23595=; no amino-acid change (leucine 23595 retained).
Molecular consequence: synonymous variant.
Genome position (GRCh38, 1-based): chr2:178,575,347, T>C on the plus strand (A>G on the coding strand, the complement: TTN is on the minus strand). VCF-style: chr2-178575347-T-C. GRCh37 (hg19) VCF-style: chr2-179440074-T-C.
Other names: c.65862A>G, p.Leu21954= (NM_001256850.1); c.43590A>G, p.Leu14530= (NM_003319.4); c.63081A>G, p.Leu21027= (NM_133378.4); c.43965A>G, p.Leu14655= (NM_133432.3); c.44166A>G, p.Leu14722= (NM_133437.4).
Identifiers: ClinVar variation 509888 (VCV000509888.25), dbSNP rs918782056, ClinGen allele CA61002575.